The following is an entry in ClinVar:

NM_153717.3(EVC):c.2782+1G>T

Gene: EVC (EvC ciliary complex subunit 1; plus strand). Cytogenetic location: 4p16.2.
Variant type: single nucleotide variant.
Coding change: c.2782+1G>T on transcript NM_153717.3 (MANE Select); the canonical splice donor site of the intron after coding-DNA position 2782, G replaced by T.
Molecular consequence: splice donor variant.
Genome position (GRCh38, 1-based): chr4:5,809,612, G>T. VCF-style: chr4-5809612-G-T. GRCh37 (hg19) VCF-style: chr4-5811339-G-T.
Other names: c.2782+1G>T (NM_001306090.2).
Identifiers: ClinVar variation 556536 (VCV000556536.21), dbSNP rs1007534611, ClinGen allele CA91727431.

ClinVar aggregate classification (germline): Pathogenic/Likely pathogenic. Review status: criteria provided, multiple submitters, no conflicts (2 of 4 stars). 8 submissions from 8 submitters: Pathogenic (2); Likely pathogenic (5). 1 of the submissions does not count toward it. Last evaluated 2026-03-02.

Conditions:
Curry-Hall syndrome (WAD). Also called: WEYERS ACRODENTAL DYSOSTOSIS. Identifiers: Orphanet 952, MedGen C0457013, MONDO:0008673, OMIM 193530.
Ellis-van Creveld syndrome (EVC). Also called: Chondroectodermal dysplasia; MESOECTODERMAL DYSPLASIA. Identifiers: Orphanet 289, MedGen C0013903, MONDO:0009162, OMIM 225500.
EVC-related disorder. Also called: EVC-related condition; EVC-related disorders.

Allele frequency attached by ClinVar (database versions not stated): gnomAD exomes below 0.00001 and 0.00001; gnomAD 0.00002; TOPMed 0.00003.
gnomAD v4.1: 19 of 1,613,852 alleles (0.0012%); highest among the groups gnomAD compares: Non-Finnish European, 0.0016%; no homozygotes.

Submissions (8):

Dasa
Classification: Likely pathogenic. Last evaluated: 2026-03-02. Review status: criteria provided, single submitter. Criteria: DASA Assertion Criteria. Collection method: clinical testing. Allele origin: germline.
Comment: NM_153717.3(EVC):c.2782+1G>T affects a canonical splice site and is predicted to disrupt normal RNA splicing. Loss of function is an established disease mechanism for EVC-associated disorders. Also, this variant is rare in population databases. Based on the currently available evidence, this variant is classified as likely pathogenic.

Natera, Inc.
Classification: Pathogenic for Ellis-van Creveld syndrome. Last evaluated: 2025-08-21. Review status: criteria provided, single submitter. Criteria: Natera Variant Classification Schema (03/2026). Collection method: clinical testing. Allele origin: germline.
Comment: The c.2782+1G>T variant in EVC is a canonical splice donor site variant predicted to affect pre-mRNA splicing, which may result in an abnormal transcript and altered protein product. This variant is expected to result in nonsense mediated decay, truncation, or a dysfunctional protein product. This variant is rare in the general population with a frequency below the threshold expected for the associated phenotype(s). This variant has been observed in one or more individuals affected with the associated recessive disease, as either homozygous or compound heterozygous with a second variant (PMID: 34930662). Given the available evidence, this variant is classified as Pathogenic.

Labcorp Genetics (formerly Invitae), Labcorp
Classification: Likely pathogenic for Curry-Hall syndrome; Ellis-van Creveld syndrome. Last evaluated: 2025-03-26. Review status: criteria provided, single submitter. Criteria: Invitae Variant Classification Sherloc (09022015). Collection method: clinical testing. Allele origin: germline.
Comment: This sequence change affects a donor splice site in intron 19 of the EVC gene. It is expected to disrupt RNA splicing. Variants that disrupt the donor or acceptor splice site typically lead to a loss of protein function (PMID: 16199547), and loss-of-function variants in EVC are known to be pathogenic (PMID: 23220543). This variant is present in population databases (no rsID available, gnomAD 0.0009%). This variant has not been reported in the literature in individuals affected with EVC-related conditions. ClinVar contains an entry for this variant (Variation ID: 556536). Algorithms developed to predict the effect of sequence changes on RNA splicing suggest that this variant may disrupt the consensus splice site. In summary, the currently available evidence indicates that the variant is pathogenic, but additional data are needed to prove that conclusively. Therefore, this variant has been classified as Likely Pathogenic.

Fulgent Genetics
Classification: Likely pathogenic for Curry-Hall syndrome; Ellis-van Creveld syndrome. Last evaluated: 2024-02-29. Review status: criteria provided, single submitter. Criteria: ACMG Guidelines, 2015. Collection method: clinical testing. Allele origin: germline.

Blueprint Genetics
Classification: Likely pathogenic for EVC-related disorders. Last evaluated: 2023-04-13. Review status: criteria provided, single submitter. Criteria: ACMG Guidelines, 2015. Collection method: clinical testing. Allele origin: germline. Affected: yes. Observed: 2 variant alleles.

Laboratorio de Genetica e Diagnostico Molecular, Hospital Israelita Albert Einstein
Classification: Likely pathogenic for Ellis-van Creveld syndrome. Last evaluated: 2023-02-03. Review status: criteria provided, single submitter. Criteria: ACMG Guidelines, 2015. Collection method: clinical testing. Allele origin: germline. Affected: yes. Observed: 1 variant allele.
Comment: ACMG classification criteria: PVS1 very strong, PM2 moderated

HudsonAlpha Institute for Biotechnology
Classification: Pathogenic for Ellis-van Creveld syndrome. Last evaluated: 2018-08-24. Review status: criteria provided, single submitter. Criteria: ACMG Guidelines, 2015. Collection method: research. Allele origin: maternal. Affected: yes. Observed: 1 variant allele. Study: CSER-SouthSeq.
Comment: ACMG codes: PVS1, PM2, PP5

Counsyl
Classification: Likely pathogenic for Ellis-van Creveld syndrome. Last evaluated: 2018-02-06. Review status: no assertion criteria provided. Collection method: clinical testing. Allele origin: unknown. Not counted in ClinVar's aggregate classification.

Literature cited by the submitters: PubMed 34930662 (cited by Natera, Inc.); PubMed 16199547 (cited by Labcorp Genetics (formerly Invitae), Labcorp); PubMed 23220543 (cited by Labcorp Genetics (formerly Invitae), Labcorp).